The following is an entry in ClinVar:

ClinVar aggregate classification (germline): Likely pathogenic (1 of 4 stars; one submission).

Conditions:
Primary dilated cardiomyopathy (DCM). Also called: Dilated Cardiomyopathy. Identifiers: Orphanet 217604, MedGen C0007193, MeSH D002311, MONDO:0005021, HP:0001644. Inheritance: Various modes of inheritance.

Submission:

Cardiovascular Biomedical Research Unit, Royal Brompton & Harefield NHS Foundation Trust
Classification: Likely pathogenic for Primary dilated cardiomyopathy. Last evaluated: 2014-10-08. Review status: criteria provided, single submitter. Criteria: Roberts et al. 2015. Collection method: research. Allele origin: germline. Inheritance: Autosomal dominant inheritance. Affected: yes. Observed: 1 variant allele. Study: Familial DCM.
Comment: In the seven cohorts assessed, TTNtv were found in 14% of ambulant DCM, 22% end-stage or familial DCM, and 2% controls. Heterozygous nonsense, frameshift and canonical splice-disrupting variants found in constitutive and other highly utilised exons are highly likely to be pathogenic when identified in individuals with phenotypically confirmed DCM. TTNtv found incidentally in healthy individuals (excluding familial assessment of DCM relatives) are thought to have low penetrance, particularly when identified in exons that are not constitutively expressed in the heart.

NM_001267550.2(TTN):c.56206del (p.Thr18736fs)

Genes: TTN (titin; minus strand), TTN-AS1 (TTN antisense RNA 1; plus strand). Cytogenetic location: 2q31.2.
Variant type: Deletion.
Coding change: c.56206del on transcript NM_001267550.2 (MANE Select); coding-DNA position 56206, one base deleted (A; older notation c.56206delA).
Protein change: p.Thr18736fs; shifts the reading frame from threonine 18736.
Molecular consequence: frameshift variant. On other transcripts: non-coding transcript variant (1).
Genome position (GRCh38, 1-based): chr2:178,599,695, T deleted on the plus strand (A on the coding strand, the reverse complement: TTN is on the minus strand). VCF-style (leftmost placement, unchanged base first): chr2-178599694-GT-G. GRCh37 (hg19) VCF-style: chr2-179464421-GT-G.
Other names: c.51283del, p.Thr17095fs (NM_001256850.1); c.29011del, p.Thr9671fs (NM_003319.4); c.48502del, p.Thr16168fs (NM_133378.4); c.29386del, p.Thr9796fs (NM_133432.3); c.29587del, p.Thr9863fs (NM_133437.4); c.56206delA (LRG_391t1); short protein forms T16168fs, T18736fs, T17095fs, T9796fs, T9863fs, T9671fs.
Identifiers: ClinVar variation 223373 (VCV000223373.1), dbSNP rs869312109, ClinGen allele CA353119.